The following is an entry in ClinVar:

NM_016111.4(TELO2):c.1285G>A (p.Glu429Lys)

Gene: TELO2 (telomere maintenance 2; plus strand). Cytogenetic location: 16p13.3.
Variant type: single nucleotide variant.
Coding change: c.1285G>A on transcript NM_016111.4 (MANE Select); coding-DNA position 1285, G replaced by A.
Protein change: p.Glu429Lys; replaces glutamic acid 429 with lysine.
Molecular consequence: missense variant.
Genome position (GRCh38, 1-based): chr16:1,501,423, G>A. VCF-style: chr16-1501423-G-A. GRCh37 (hg19) VCF-style: chr16-1551424-G-A.
Other names: c.1285G>A, p.Glu429Lys (NM_001351846.2); short protein forms E429K.
Identifiers: ClinVar variation 2055528 (VCV002055528.1), dbSNP rs61739605, ClinGen allele CA7812060.
Genomic context (GRCh38, chr16:1,501,423, plus strand): 5'-CTCGGGGAGGGGCGCTGCAGCCTGGCGGATGCCGCTGAGCCTGCTCCCCTGCTGTAGTAC[G>A]AAGAGGATGAACTGAGCCTCGAGCTGCTGGCCTTGGCCTCCCCCCAGCCTGCGGGTGACG-3'
Protein context (NP_057195.2, residues 419-439): PEGPPLKFQY[Glu429Lys]EDELSLELLA

ClinVar aggregate classification (germline): Uncertain significance (1 of 4 stars; one submission).

Allele frequency attached by ClinVar (database versions not stated): gnomAD exomes 0.00001; ExAC 0.00005; gnomAD 0.00006; TOPMed 0.00006; 1000 Genomes Project 30x 0.00016; 1000 Genomes Project 0.00020.
gnomAD v4.1: 51 of 1,612,382 alleles (0.0032%); highest among the groups gnomAD compares: East Asian, 0.036%; 1 homozygote.

Submission:

Labcorp Genetics (formerly Invitae), Labcorp
Classification: Uncertain significance. Last evaluated: 2022-08-15. Review status: criteria provided, single submitter. Criteria: Invitae Variant Classification Sherloc (09022015). Collection method: clinical testing. Allele origin: germline.
Comment: This sequence change replaces glutamic acid, which is acidic and polar, with lysine, which is basic and polar, at codon 429 of the TELO2 protein (p.Glu429Lys). This variant is present in population databases (rs61739605, gnomAD 0.05%). This variant has not been reported in the literature in individuals affected with TELO2-related conditions. Algorithms developed to predict the effect of missense changes on protein structure and function (SIFT, PolyPhen-2, Align-GVGD) all suggest that this variant is likely to be tolerated. Algorithms developed to predict the effect of sequence changes on RNA splicing suggest that this variant may disrupt the consensus splice site. In summary, the available evidence is currently insufficient to determine the role of this variant in disease. Therefore, it has been classified as a Variant of Uncertain Significance.